The following is an entry in ClinVar:

NM_020937.4(FANCM):c.4708C>T (p.Arg1570Cys)

Gene: FANCM (FA complementation group M; plus strand). Cytogenetic location: 14q21.2.
Variant type: single nucleotide variant.
Coding change: c.4708C>T on transcript NM_020937.4 (MANE Select); coding-DNA position 4708, C replaced by T.
Protein change: p.Arg1570Cys; replaces arginine 1570 with cysteine.
Molecular consequence: missense variant.
Genome position (GRCh38, 1-based): chr14:45,187,816, C>T. VCF-style: chr14-45187816-C-T. GRCh37 (hg19) VCF-style: chr14-45657019-C-T.
Other names: c.4630C>T, p.Arg1544Cys (NM_001308133.2); c.4708C>T (NM_020937.3); short protein forms R1544C, R1570C.
Identifiers: ClinVar variation 835630 (VCV000835630.17), dbSNP rs139376041, ClinGen allele CA7169842.
Genomic context (GRCh38, chr14:45,187,816, plus strand): 5'-TATCTAAATTCTTATCTTTACACAGATTCTGAAATGAGAGCTATTTACATGAAATCTTTG[C>T]GTAGTCCAATGATGAACAATAAGTACAAAATGATTCATAAGACACATAAAAACATAAACA-3'
Protein context (NP_065988.1, residues 1560-1580): EMRAIYMKSL[Arg1570Cys]SPMMNNKYKM

ClinVar aggregate classification (germline): Uncertain significance. Review status: criteria provided, multiple submitters, no conflicts (2 of 4 stars). 6 submissions from 6 submitters: Uncertain significance (5). 1 of the submissions does not count toward it. Last evaluated 2025-08-21.

Conditions:
FANCM-related disorder. Also called: FANCM-related condition.
Fanconi anemia (FA). Also called: Fanconi's anemia. Identifiers: Orphanet 84, MedGen C0015625, MeSH D005199, MONDO:0019391.
Spermatogenic failure 28. Identifiers: MedGen C4748117, MONDO:0054732, OMIM 618086.
Premature ovarian failure 15. Identifiers: MedGen C4748170, MONDO:0054862, OMIM 618096.
Hereditary cancer-predisposing syndrome. Also called: Hereditary neoplastic syndrome; Neoplastic Syndromes, Hereditary; Tumor predisposition; Hereditary Cancer Syndrome. Identifiers: Orphanet 140162, MedGen C0027672, MeSH D009386, MONDO:0015356.

Allele frequency attached by ClinVar (database versions not stated): gnomAD exomes 0.00003 and 0.00006; ExAC 0.00005; TOPMed 0.00019.
gnomAD v4.1: 76 of 1,581,130 alleles (0.0048%); highest among the groups gnomAD compares: African/African-American, 0.056%; no homozygotes.

Submissions (6):

GeneDx
Classification: Uncertain significance. Last evaluated: 2025-08-21. Review status: criteria provided, single submitter. Criteria: GeneDx Variant Classification Process June 2021. Collection method: clinical testing. Allele origin: germline. Affected: yes.
Comment: In silico analysis supports that this missense variant has a deleterious effect on protein structure/function; Observed in individuals with breast cancer and also in controls (PMID: 33471991); This variant is associated with the following publications: (PMID: 33471991)

Labcorp Genetics (formerly Invitae), Labcorp
Classification: Uncertain significance for Fanconi anemia. Last evaluated: 2025-06-18. Review status: criteria provided, single submitter. Criteria: Invitae Variant Classification Sherloc (09022015). Collection method: clinical testing. Allele origin: germline.
Comment: This sequence change replaces arginine, which is basic and polar, with cysteine, which is neutral and slightly polar, at codon 1570 of the FANCM protein (p.Arg1570Cys). This variant is present in population databases (rs139376041, gnomAD 0.06%). This variant has not been reported in the literature in individuals affected with FANCM-related conditions. ClinVar contains an entry for this variant (Variation ID: 835630). An algorithm developed to predict the effect of missense changes on protein structure and function (PolyPhen-2) suggests that this variant is likely to be disruptive. Algorithms developed to predict the effect of sequence changes on RNA splicing suggest that this variant may disrupt the consensus splice site. In summary, the available evidence is currently insufficient to determine the role of this variant in disease. Therefore, it has been classified as a Variant of Uncertain Significance.

Quest Diagnostics Nichols Institute San Juan Capistrano
Classification: Uncertain significance. Last evaluated: 2022-12-18. Review status: criteria provided, single submitter. Criteria: Quest Diagnostics criteria. Collection method: clinical testing. Allele origin: unknown.
Comment: The frequency of this variant in the general population, 0.00056 (14/24844 chromosomes), is uninformative in assessment of its pathogenicity. In the published literature, the variant has been reported in individuals with breast cancer and unaffected controls (PMID: 33471991 (2021)). Analysis of this variant using bioinformatics tools for the prediction of the effect of amino acid changes on protein structure and function yielded conflicting predictions that this variant is benign or damaging. Based on the available information, we are unable to determine the clinical significance of this variant.

Fulgent Genetics
Classification: Uncertain significance for Spermatogenic failure 28; Premature ovarian failure 15. Last evaluated: 2022-04-13. Review status: criteria provided, single submitter. Criteria: ACMG Guidelines, 2015. Collection method: clinical testing. Allele origin: unknown.

Sema4
Classification: Uncertain significance for Hereditary cancer-predisposing syndrome. Last evaluated: 2021-11-23. Review status: criteria provided, single submitter. Criteria: Sema4 Curation Guidelines. Collection method: curation. Allele origin: germline.
Comment: The FANCM c.4708C>T (p.R1570C) variant has been reported in 3 cases and 2 healthy controls, in a large dataset of 60,466 women with breast cancer and 53,461controls (PMID: 33471991). It was observed in 14/24844 chromosomes of the African/African American subpopulation, with no homozygotes, in the Genome Aggregation Database (PMID: 32461654). The variant has been reported in ClinVar (Variation ID 835630). Functional studies have not been performed, and in silico predictions of the variant's effect on protein function are inconclusive. The evidence is insufficient to meet ACMG/AMP criteria for classifying the variant as benign or pathogenic. Thus, the clinical significance of this variant is currently uncertain.

PreventionGenetics, part of Exact Sciences
Classification: Uncertain significance for FANCM-related condition. Last evaluated: 2023-11-25. Review status: no assertion criteria provided. Collection method: clinical testing. Allele origin: germline. Not counted in ClinVar's aggregate classification.
Comment: The FANCM c.4708C>T variant is predicted to result in the amino acid substitution p.Arg1570Cys. This variant has been reported in both cases and controls within a breast cancer cohort (Dorling et al. 2021. PubMed ID: 33471991). This variant is reported in 0.056% of alleles in individuals of African descent in gnomAD and is interpreted as uncertain in ClinVar. At this time, the clinical significance of this variant is uncertain due to the absence of conclusive functional and genetic evidence.

Literature cited by the submitters: PubMed 33471991 (cited by Quest Diagnostics Nichols Institute San Juan Capistrano and Sema4).